The following is an entry in ClinVar:

NM_006904.7(PRKDC):c.2561G>C (p.Arg854Thr)

Gene: PRKDC (protein kinase, DNA-activated, catalytic subunit; minus strand). Cytogenetic location: 8q11.21.
Variant type: single nucleotide variant.
Coding change: c.2561G>C on transcript NM_006904.7 (MANE Select); coding-DNA position 2561, G replaced by C.
Protein change: p.Arg854Thr; replaces arginine 854 with threonine.
Molecular consequence: missense variant.
Genome position (GRCh38, 1-based): chr8:47,915,384, C>G on the plus strand (G>C on the coding strand, the complement: PRKDC is on the minus strand). VCF-style: chr8-47915384-C-G. GRCh37 (hg19) VCF-style: chr8-48827944-C-G.
Other names: c.2561G>C, p.Arg854Thr (NM_001081640.2); short protein forms R854T.
Identifiers: ClinVar variation 3225801 (VCV003225801.1), dbSNP rs779703969, ClinGen allele CA371159945.

ClinVar aggregate classification (germline): Uncertain significance (1 of 4 stars; one submission).

Submission:

Ambry Genetics
Classification: Uncertain significance. Last evaluated: 2023-12-21. Review status: criteria provided, single submitter. Criteria: Ambry Variant Classification Scheme 2023. Collection method: clinical testing. Allele origin: germline.
Comment: The p.R854T variant (also known as c.2561G>C), located in coding exon 23 of the PRKDC gene, results from a G to C substitution at nucleotide position 2561. The arginine at codon 854 is replaced by threonine, an amino acid with similar properties. This amino acid position is conserved. In addition, the in silico prediction for this alteration is inconclusive. Since supporting evidence is limited at this time, the clinical significance of this alteration remains unclear.